The following is an entry in ClinVar:

NM_000929.3(PLA2G5):c.16C>T (p.Pro6Ser)

Gene: PLA2G5 (phospholipase A2 group V; plus strand). Cytogenetic location: 1p36.13.
Variant type: single nucleotide variant.
Coding change: c.16C>T on transcript NM_000929.3 (MANE Select); coding-DNA position 16, C replaced by T.
Protein change: p.Pro6Ser; replaces proline 6 with serine.
Molecular consequence: missense variant.
Genome position (GRCh38, 1-based): chr1:20,084,846, C>T. VCF-style: chr1-20084846-C-T. GRCh37 (hg19) VCF-style: chr1-20411339-C-T.
Other names: short protein forms P6S.
Identifiers: ClinVar variation 967353 (VCV000967353.10), dbSNP rs372172763, ClinGen allele CA658137.
Genomic context (GRCh38, chr1:20,084,846, plus strand): 5'-GATAGATCTGTTGTGGGATGTGTTTTTTTTTCCAGAACCCCAGAGATGAAAGGCCTCCTC[C>T]CACTGGCTTGGTTCCTGGCTTGTAGTAAGTGCTGGCCCCGTGACCTTCGAATGAACTTTT-3'
Protein context (NP_000920.1, residues 1-16): MKGLL[Pro6Ser]LAWFLACSVP

ClinVar aggregate classification (germline): Uncertain significance. Review status: criteria provided, multiple submitters, no conflicts (2 of 4 stars). 2 submissions from 2 submitters: Uncertain significance (2). Last evaluated 2025-09-10.

Allele frequency attached by ClinVar (database versions not stated): gnomAD exomes 0.00001; ExAC 0.00002; gnomAD 0.00002 and 0.00003; TOPMed 0.00002; ESP Exome Variant Server 0.00008.
gnomAD v4.1: 9 of 1,610,788 alleles (0.00056%); highest among the groups gnomAD compares: Non-Finnish European, 0.00051%; no homozygotes.

Submissions (2):

Ambry Genetics
Classification: Uncertain significance. Last evaluated: 2025-09-10. Review status: criteria provided, single submitter. Criteria: Ambry Variant Classification Scheme 2023. Collection method: clinical testing. Allele origin: germline.

Labcorp Genetics (formerly Invitae), Labcorp
Classification: Uncertain significance. Last evaluated: 2025-03-17. Review status: criteria provided, single submitter. Criteria: Invitae Variant Classification Sherloc (09022015). Collection method: clinical testing. Allele origin: germline.
Comment: This sequence change replaces proline, which is neutral and non-polar, with serine, which is neutral and polar, at codon 6 of the PLA2G5 protein (p.Pro6Ser). This variant is present in population databases (rs372172763, gnomAD 0.002%). This variant has not been reported in the literature in individuals affected with PLA2G5-related conditions. ClinVar contains an entry for this variant (Variation ID: 967353). An algorithm developed to predict the effect of missense changes on protein structure and function (PolyPhen-2) suggests that this variant is likely to be tolerated. In summary, the available evidence is currently insufficient to determine the role of this variant in disease. Therefore, it has been classified as a Variant of Uncertain Significance.